The following is an entry in ClinVar:

NM_199242.3(UNC13D):c.1216G>A (p.Gly406Ser)

Gene: UNC13D (unc-13 homolog D; minus strand). Cytogenetic location: 17q25.1.
Variant type: single nucleotide variant.
Coding change: c.1216G>A on transcript NM_199242.3 (MANE Select); coding-DNA position 1216, G replaced by A.
Protein change: p.Gly406Ser; replaces glycine 406 with serine.
Molecular consequence: missense variant.
Genome position (GRCh38, 1-based): chr17:75,836,654, C>T on the plus strand (G>A on the coding strand, the complement: UNC13D is on the minus strand). VCF-style: chr17-75836654-C-T. GRCh37 (hg19) VCF-style: chr17-73832735-C-T.
Other names: short protein forms G406S.
Identifiers: ClinVar variation 325265 (VCV000325265.17), dbSNP rs149099554, ClinGen allele CA8773074.

ClinVar aggregate classification (germline): Uncertain significance. Review status: criteria provided, multiple submitters, no conflicts (2 of 4 stars). 5 submissions from 5 submitters: Uncertain significance (5). Last evaluated 2024-11-05.

Conditions:
Autoinflammatory syndrome. Identifiers: Orphanet 93665, MedGen C3890737, MONDO:0019751.
Inborn genetic diseases. Identifiers: MedGen C0950123, MeSH D030342.
Familial hemophagocytic lymphohistiocytosis 3 (FHL3). Also called: UNC13D-Related Familial Hemophagocytic Lymphohistiocytosis (UNC13D-fHLH). Identifiers: Orphanet 540, MedGen C1837174, MONDO:0012146, OMIM 608898.

Allele frequency attached by ClinVar (database versions not stated): gnomAD 0.00007; gnomAD exomes 0.00008 and 0.00009; TOPMed 0.00009; ExAC 0.00012; ESP Exome Variant Server 0.00015.
gnomAD v4.1: 139 of 1,613,624 alleles (0.0086%); highest among the groups gnomAD compares: Non-Finnish European, 0.01%; no homozygotes.

Submissions (6):

Labcorp Genetics (formerly Invitae), Labcorp
Classification: Uncertain significance for Familial hemophagocytic lymphohistiocytosis 3. Last evaluated: 2024-11-05. Review status: criteria provided, single submitter. Criteria: Invitae Variant Classification Sherloc (09022015). Collection method: clinical testing. Allele origin: germline.
Comment: This sequence change replaces glycine, which is neutral and non-polar, with serine, which is neutral and polar, at codon 406 of the UNC13D protein (p.Gly406Ser). This variant is present in population databases (rs149099554, gnomAD 0.01%). This variant has not been reported in the literature in individuals affected with UNC13D-related conditions. ClinVar contains an entry for this variant (Variation ID: 325265). Invitae Evidence Modeling of protein sequence and biophysical properties (such as structural, functional, and spatial information, amino acid conservation, physicochemical variation, residue mobility, and thermodynamic stability) indicates that this missense variant is not expected to disrupt UNC13D protein function with a negative predictive value of 80%. In summary, the available evidence is currently insufficient to determine the role of this variant in disease. Therefore, it has been classified as a Variant of Uncertain Significance.

Blueprint Genetics
Classification: Uncertain significance. Last evaluated: 2023-11-08. Review status: criteria provided, single submitter. Criteria: ACMG Guidelines, 2015. Collection method: clinical testing. Allele origin: germline.

Ambry Genetics
Classification: Uncertain significance for Inborn genetic diseases. Last evaluated: 2021-07-20. Review status: criteria provided, single submitter. Criteria: Ambry Variant Classification Scheme 2023. Collection method: clinical testing. Allele origin: germline.

Illumina Laboratory Services, Illumina
Classification: Uncertain significance for Familial hemophagocytic lymphohistiocytosis 3. Last evaluated: 2018-01-13. Review status: criteria provided, single submitter. Criteria: ICSL Variant Classification Criteria 13 December 2019. Collection method: clinical testing. Allele origin: germline.

Genome Diagnostics Laboratory, The Hospital for Sick Children
Classification: Uncertain significance for Autoinflammatory syndrome. Last evaluated: 2016-12-12. Review status: criteria provided, single submitter. Criteria: ACMG Guidelines, 2015. Collection method: clinical testing. Allele origin: germline. Affected: yes.

Dr. Peter K. Rogan Lab, Western University
No classification provided (evidence only). Condition: Lung cancer. Review status: no classification provided. Collection method: in vitro. Allele origin: not applicable. Functional consequence: retained intron. Not counted in ClinVar's aggregate classification.